The following is an entry in ClinVar:

NM_001242908.2(RSPO1):c.745C>T (p.Gln249Ter)

Gene: RSPO1 (R-spondin 1; minus strand). Cytogenetic location: 1p34.3.
Variant type: single nucleotide variant.
Coding change: c.745C>T on transcript NM_001242908.2 (MANE Select); coding-DNA position 745, C replaced by T.
Protein change: p.Gln249Ter; replaces glutamine 249 with a stop codon.
Molecular consequence: nonsense.
Genome position (GRCh38, 1-based): chr1:37,612,802, G>A on the plus strand (C>T on the coding strand, the complement: RSPO1 is on the minus strand). VCF-style: chr1-37612802-G-A. GRCh37 (hg19) VCF-style: chr1-38078474-G-A.
Other names: c.745C>T, p.Gln249Ter (NM_001038633.4); c.664C>T, p.Gln222Ter (NM_001242909.2); c.556C>T, p.Gln186Ter (NM_001242910.2); short protein forms Q222*, Q186*, Q249*.
Identifiers: ClinVar variation 4745559 (VCV004745559.1).
Genomic context (GRCh38, chr1:37,612,802, plus strand): 5'-CTGGACAGTGTCCCTAGGCAGGCCCTGCAGATGTGAGTGGCCCCACTGTCCCTTGCTGCT[G>A]CTGCTGTTGCTGCCCCTTGCGTCTTCGAGAGCCAGCACCCGCCTCCTTGCTCTCCTTCCT-3'

ClinVar aggregate classification (germline): Pathogenic (1 of 4 stars; one submission).

gnomAD v4.1: 11 of 1,612,960 alleles (0.00068%); highest among the groups gnomAD compares: African/African-American, 0.0013%; no homozygotes.

Submission:

Labcorp Genetics (formerly Invitae), Labcorp
Classification: Pathogenic. Last evaluated: 2025-10-23. Review status: criteria provided, single submitter. Criteria: Invitae Variant Classification Sherloc (09022015). Collection method: clinical testing. Allele origin: germline.
Comment: This sequence change creates a premature translational stop signal (p.Gln249*) in the RSPO1 gene. It is expected to result in an absent or disrupted protein product. Loss-of-function variants in RSPO1 are known to be pathogenic (PMID: 17041600, 18085567). This variant is present in population databases (rs749525234, gnomAD 0.004%). This variant has not been reported in the literature in individuals affected with RSPO1-related conditions. For these reasons, this variant has been classified as Pathogenic.

Literature cited by the submitters: PubMed 17041600; PubMed 18085567.